The following is an entry in ClinVar:

ClinVar aggregate classification (germline): Uncertain significance. Review status: criteria provided, multiple submitters, no conflicts (2 of 4 stars). 2 submissions from 2 submitters: Uncertain significance (2). Last evaluated 2023-06-14.

Conditions:
Nemaline myopathy 2 (NEM2). Also called: Nemaline myopathy 2, autosomal recessive. Identifiers: MedGen C1850569, MONDO:0009725, OMIM 256030.

Allele frequency attached by ClinVar (database versions not stated): TOPMed below 0.00001; gnomAD 0.00001; ESP Exome Variant Server 0.00008.
gnomAD v4.1: 3 of 1,592,892 alleles (0.00019%); highest among the groups gnomAD compares: Non-Finnish European, 0.00017%; no homozygotes.

Submissions (2):

Blueprint Genetics
Classification: Uncertain significance. Last evaluated: 2023-06-14. Review status: criteria provided, single submitter. Criteria: ACMG Guidelines, 2015. Collection method: clinical testing. Allele origin: germline.

Labcorp Genetics (formerly Invitae), Labcorp
Classification: Uncertain significance for Nemaline myopathy 2. Last evaluated: 2022-03-08. Review status: criteria provided, single submitter. Criteria: Invitae Variant Classification Sherloc (09022015). Collection method: clinical testing. Allele origin: germline.
Comment: This sequence change replaces methionine, which is neutral and non-polar, with isoleucine, which is neutral and non-polar, at codon 6680 of the NEB protein (p.Met6680Ile). The frequency data for this variant in the population databases is considered unreliable, as metrics indicate poor data quality at this position in the gnomAD database. This variant has not been reported in the literature in individuals affected with NEB-related conditions. Algorithms developed to predict the effect of missense changes on protein structure and function are either unavailable or do not agree on the potential impact of this missense change (SIFT: "Tolerated"; PolyPhen-2: "Not Available"; Align-GVGD: "Class C0"). In summary, the available evidence is currently insufficient to determine the role of this variant in disease. Therefore, it has been classified as a Variant of Uncertain Significance.

NM_001164508.2(NEB):c.20040G>C (p.Met6680Ile)

Gene: NEB (nebulin; minus strand). Cytogenetic location: 2q23.3.
Variant type: single nucleotide variant.
Coding change: c.20040G>C on transcript NM_001164508.2 (MANE Select); coding-DNA position 20040, G replaced by C.
Protein change: p.Met6680Ile; replaces methionine 6680 with isoleucine.
Molecular consequence: missense variant.
Genome position (GRCh38, 1-based): chr2:151,549,645, C>G on the plus strand (G>C on the coding strand, the complement: NEB is on the minus strand). VCF-style: chr2-151549645-C-G. GRCh37 (hg19) VCF-style: chr2-152406159-C-G.
Other names: c.20040G>C, p.Met6680Ile (NM_001164507.2, NM_001271208.2); c.14937G>C, p.Met4979Ile (NM_004543.5); short protein forms M4979I, M6680I.
Identifiers: ClinVar variation 1513511 (VCV001513511.6), dbSNP rs368883773, ClinGen allele CA1907460.